The following is an entry in ClinVar:

NM_020312.4(COQ9):c.113A>G (p.His38Arg)

Gene: COQ9 (coenzyme Q9; plus strand). Cytogenetic location: 16q21.
Variant type: single nucleotide variant.
Coding change: c.113A>G on transcript NM_020312.4 (MANE Select); coding-DNA position 113, A replaced by G.
Protein change: p.His38Arg; replaces histidine 38 with arginine.
Molecular consequence: missense variant.
Genome position (GRCh38, 1-based): chr16:57,451,079, A>G. VCF-style: chr16-57451079-A-G. GRCh37 (hg19) VCF-style: chr16-57484991-A-G.
Other names: c.113A>G (NM_020312.3); short protein forms H38R.
Identifiers: ClinVar variation 1944889 (VCV001944889.6), dbSNP rs1409344926, ClinGen allele CA396026583.

ClinVar aggregate classification (germline): Uncertain significance. Review status: criteria provided, multiple submitters, no conflicts (2 of 4 stars). 2 submissions from 2 submitters: Uncertain significance (2). Last evaluated 2024-09-09.

Conditions:
Inborn genetic diseases. Identifiers: MedGen C0950123, MeSH D030342.

Allele frequency attached by ClinVar (database versions not stated): gnomAD exomes below 0.00001.

Submissions (2):

Ambry Genetics
Classification: Uncertain significance for Inborn genetic diseases. Last evaluated: 2024-09-09. Review status: criteria provided, single submitter. Criteria: Ambry Variant Classification Scheme 2023. Collection method: clinical testing. Allele origin: germline.

Labcorp Genetics (formerly Invitae), Labcorp
Classification: Uncertain significance. Last evaluated: 2022-05-05. Review status: criteria provided, single submitter. Criteria: Invitae Variant Classification Sherloc (09022015). Collection method: clinical testing. Allele origin: germline.
Comment: This sequence change replaces histidine, which is basic and polar, with arginine, which is basic and polar, at codon 38 of the COQ9 protein (p.His38Arg). This variant is present in population databases (no rsID available, gnomAD 0.003%). This variant has not been reported in the literature in individuals affected with COQ9-related conditions. Algorithms developed to predict the effect of missense changes on protein structure and function output the following: SIFT: "Tolerated"; PolyPhen-2: "Benign"; Align-GVGD: "Class C0". The arginine amino acid residue is found in multiple mammalian species, which suggests that this missense change does not adversely affect protein function. In summary, the available evidence is currently insufficient to determine the role of this variant in disease. Therefore, it has been classified as a Variant of Uncertain Significance.